The following is an entry in ClinVar:

NM_001793.6(CDH3):c.1193T>C (p.Phe398Ser)

Gene: CDH3 (cadherin 3; plus strand). Cytogenetic location: 16q22.1.
Variant type: single nucleotide variant.
Coding change: c.1193T>C on transcript NM_001793.6 (MANE Select); coding-DNA position 1193, T replaced by C.
Protein change: p.Phe398Ser; replaces phenylalanine 398 with serine.
Molecular consequence: missense variant.
Genome position (GRCh38, 1-based): chr16:68,684,593, T>C. VCF-style: chr16-68684593-T-C. GRCh37 (hg19) VCF-style: chr16-68718496-T-C.
Other names: c.1193T>C, p.Phe398Ser (NM_001317195.3); c.1028T>C, p.Phe343Ser (NM_001317196.2); short protein forms F343S, F398S.
Identifiers: ClinVar variation 1023656 (VCV001023656.10), dbSNP rs377103227, ClinGen allele CA8129294.

ClinVar aggregate classification (germline): Uncertain significance (1 of 4 stars; one submission).

Allele frequency attached by ClinVar (database versions not stated): gnomAD exomes below 0.00001 and 0.00001; gnomAD 0.00001 and 0.00002; ExAC 0.00002; TOPMed 0.00002; ESP Exome Variant Server 0.00015.
gnomAD v4.1: 7 of 1,614,062 alleles (0.00043%); highest among the groups gnomAD compares: African/African-American, 0.008%; no homozygotes.

Submission:

Labcorp Genetics (formerly Invitae), Labcorp
Classification: Uncertain significance. Last evaluated: 2022-04-13. Review status: criteria provided, single submitter. Criteria: Invitae Variant Classification Sherloc (09022015). Collection method: clinical testing. Allele origin: germline.
Comment: This variant has not been reported in the literature in individuals affected with CDH3-related conditions. In summary, the available evidence is currently insufficient to determine the role of this variant in disease. Therefore, it has been classified as a Variant of Uncertain Significance. Algorithms developed to predict the effect of missense changes on protein structure and function are either unavailable or do not agree on the potential impact of this missense change (SIFT: "Not Available"; PolyPhen-2: "Probably Damaging"; Align-GVGD: "Not Available"). ClinVar contains an entry for this variant (Variation ID: 1023656). This variant is present in population databases (rs377103227, gnomAD 0.02%). This sequence change replaces phenylalanine, which is neutral and non-polar, with serine, which is neutral and polar, at codon 398 of the CDH3 protein (p.Phe398Ser).